The following is an entry in ClinVar:

ClinVar aggregate classification (germline): Uncertain significance. Review status: criteria provided, multiple submitters, no conflicts (2 of 4 stars). 2 submissions from 2 submitters: Uncertain significance (2). Last evaluated 2023-06-15.

Conditions:
Peroxisome biogenesis disorder, complementation group K (CGK). Identifiers: MedGen C1866257, MONDO:0800365.

Allele frequency attached by ClinVar (database versions not stated): TOPMed below 0.00001; gnomAD 0.00001.

Submissions (2):

GeneDx
Classification: Uncertain significance. Last evaluated: 2023-06-15. Review status: criteria provided, single submitter. Criteria: GeneDx Variant Classification Process June 2021. Collection method: clinical testing. Allele origin: germline. Affected: yes.
Comment: Not observed at significant frequency in large population cohorts (gnomAD); In silico analysis supports that this missense variant does not alter protein structure/function; Has not been previously published as pathogenic or benign to our knowledge

Labcorp Genetics (formerly Invitae), Labcorp
Classification: Uncertain significance for Peroxisome biogenesis disorder, complementation group K. Last evaluated: 2022-02-05. Review status: criteria provided, single submitter. Criteria: Invitae Variant Classification Sherloc (09022015). Collection method: clinical testing. Allele origin: germline.
Comment: Algorithms developed to predict the effect of missense changes on protein structure and function output the following: SIFT: "Tolerated"; PolyPhen-2: "Benign"; Align-GVGD: "Class C0". The valine amino acid residue is found in multiple mammalian species, which suggests that this missense change does not adversely affect protein function. In summary, the available evidence is currently insufficient to determine the role of this variant in disease. Therefore, it has been classified as a Variant of Uncertain Significance. ClinVar contains an entry for this variant (Variation ID: 940072). This variant has not been reported in the literature in individuals affected with PEX14-related conditions. This variant is not present in population databases (gnomAD no frequency). This sequence change replaces glycine, which is neutral and non-polar, with valine, which is neutral and non-polar, at codon 301 of the PEX14 protein (p.Gly301Val).

NM_004565.3(PEX14):c.902G>T (p.Gly301Val)

Gene: PEX14 (peroxisomal biogenesis factor 14; plus strand). Cytogenetic location: 1p36.22.
Variant type: single nucleotide variant.
Coding change: c.902G>T on transcript NM_004565.3 (MANE Select); coding-DNA position 902, G replaced by T.
Protein change: p.Gly301Val; replaces glycine 301 with valine.
Molecular consequence: missense variant.
Genome position (GRCh38, 1-based): chr1:10,629,755, G>T. VCF-style: chr1-10629755-G-T. GRCh37 (hg19) VCF-style: chr1-10689812-G-T.
Other names: short protein forms G301V.
Identifiers: ClinVar variation 940072 (VCV000940072.10), dbSNP rs773005677, ClinGen allele CA338339027.
Genomic context (GRCh38, chr1:10,629,755, plus strand): 5'-ACAGCCCCGAGGGCTCCACGGTCACCTACCACTTGCTGGGCCCCCAGGAGGAAGGCGAGG[G>T]GGTGGTGGACGTCAAGGGCCAGGTGCGGATGGAGGTGCAAGGCGAGGAGGAGAAGAGGGA-3'
Protein context (NP_004556.1, residues 291-311): HLLGPQEEGE[Gly301Val]VVDVKGQVRM